The following is an entry in ClinVar:

NM_178857.6(RP1L1):c.777G>A (p.Pro259=)

Gene: RP1L1 (RP1 like 1). Cytogenetic location: 8p23.1.
Variant type: single nucleotide variant.
Coding change: c.777G>A on transcript NM_178857.6 (MANE Select); coding-DNA position 777, G replaced by A.
Protein change: p.Pro259=; no amino-acid change (proline 259 retained).
Molecular consequence: synonymous variant.
Genome position (GRCh38, 1-based): chr8:10,613,321, C>T on the plus strand (G>A on the coding strand, the complement: RP1L1 is on the minus strand). VCF-style: chr8-10613321-C-T. GRCh37 (hg19) VCF-style: chr8-10470831-C-T.
Identifiers: ClinVar variation 2658398 (VCV002658398.25), dbSNP rs369463692, ClinGen allele CA4625457.

ClinVar aggregate classification (germline): Likely benign. Review status: criteria provided, multiple submitters, no conflicts (2 of 4 stars). 2 submissions from 2 submitters: Likely benign (2). Last evaluated 2023-10-04.

Allele frequency attached by ClinVar (database versions not stated): 1000 Genomes Project 0.00020; 1000 Genomes Project 30x 0.00047; ESP Exome Variant Server 0.00048.
gnomAD v4.1: 94 of 1,600,886 alleles (0.0059%); highest among the groups gnomAD compares: African/African-American, 0.085%; 1 homozygote.

Submissions (2):

Blueprint Genetics
Classification: Likely benign. Last evaluated: 2023-10-04. Review status: criteria provided, single submitter. Criteria: ACMG Guidelines, 2015. Collection method: clinical testing. Allele origin: germline.

CeGaT Center for Human Genetics Tuebingen
Classification: Likely benign. Last evaluated: 2022-08-01. Review status: criteria provided, single submitter. Criteria: CeGaT Center For Human Genetics Tuebingen Variant Classification Criteria Version 2. Collection method: clinical testing. Allele origin: germline. Affected: yes. Observed: 1 variant allele.
Comment: RP1L1: BP4, BP7